The following is an entry in ClinVar:

NM_001386795.1(DTNA):c.879A>G (p.Lys293=)

Gene: DTNA (dystrobrevin alpha; plus strand). Cytogenetic location: 18q12.1.
Variant type: single nucleotide variant.
Coding change: c.879A>G on transcript NM_001386795.1 (MANE Select); coding-DNA position 879, A replaced by G.
Protein change: p.Lys293=; no amino-acid change (lysine 293 retained).
Molecular consequence: synonymous variant. On other transcripts: 5 prime UTR variant (4), intron variant (1).
Genome position (GRCh38, 1-based): chr18:34,820,793, A>G. VCF-style: chr18-34820793-A-G. GRCh37 (hg19) VCF-style: chr18-32400757-A-G.
Other names: c.879A>G, p.Lys293= (NM_001128175.2, NM_001198938.2, NM_001198939.2 and 34 more transcripts); c.-76A>G (NM_001198942.1, NM_001198944.1, NM_032980.4 and 1 more transcripts); c.129A>G, p.Lys43= (NM_001198943.1); c.603+8680A>G (NM_001198945.2).
Identifiers: ClinVar variation 834917 (VCV000834917.9), dbSNP rs2095695910, ClinGen allele CA503618351.

ClinVar aggregate classification (germline): Uncertain significance (1 of 4 stars; one submission).

Conditions:
Left ventricular noncompaction 1 (LVNC1). Also called: LEFT VENTRICULAR NONCOMPACTION 1 WITH OR WITHOUT CONGENITAL HEART DEFECTS. Identifiers: Orphanet 54260, MedGen C1858725, MONDO:0011403, OMIM 604169.

Allele frequency attached by ClinVar (database versions not stated): gnomAD exomes below 0.00001.
gnomAD v4.1: 1 of 1,614,186 alleles (0.000062%); highest among the groups gnomAD compares: Non-Finnish European, 0.000085%; no homozygotes.

Submission:

Labcorp Genetics (formerly Invitae), Labcorp
Classification: Uncertain significance for Left ventricular noncompaction 1. Last evaluated: 2019-02-19. Review status: criteria provided, single submitter. Criteria: Invitae Variant Classification Sherloc (09022015). Collection method: clinical testing. Allele origin: germline.
Comment: This variant has not been reported in the literature in individuals with DTNA-related conditions. In summary, the available evidence is currently insufficient to determine the role of this variant in disease. Therefore, it has been classified as a Variant of Uncertain Significance. Algorithms developed to predict the effect of sequence changes on RNA splicing suggest that this variant may create or strengthen a splice site, but this prediction has not been confirmed by published transcriptional studies. This variant is not present in population databases (ExAC no frequency). This sequence change affects codon 293 of the DTNA mRNA. It is a 'silent' change, meaning that it does not change the encoded amino acid sequence of the DTNA protein.